The following is an entry in ClinVar:

ClinVar aggregate classification (germline): Likely pathogenic (1 of 4 stars; one submission).

Submission:

Genetic Services Laboratory, University of Chicago
Classification: Likely pathogenic. Last evaluated: 2025-02-19. Review status: criteria provided, single submitter. Criteria: ACMG Guidelines, 2015. Collection method: clinical testing. Allele origin: germline.
Comment: The c.4858del variant, Is a single base pair deletion in exon 18, c.4858del. Results in an amino acid frameshift and creates a premature stop codon five amino acids downstream of the change, p.Val1620Tyrfs*6. Predicted to result in an abnormal transcript, which may be degraded, or may lead to the production of a truncated ARID1A protein with potentially abnormal function. Has not been described in the literature in individuals with ARID1A-related disorders. However, other truncating variants have been described in individuals with Coffin-Siris syndrome (CSS) (PMID: 22426308, 23929685). Has not been described in population database such as gnomAD v4. Collectively this evidence indicates that this variant is likely pathogenic; however functional studies have not been performed to prove this conclusively.

NM_006015.6(ARID1A):c.4858del (p.Val1620fs)

Gene: ARID1A (AT-rich interaction domain 1A; plus strand). Cytogenetic location: 1p36.11.
Variant type: Deletion.
Coding change: c.4858del on transcript NM_006015.6 (MANE Select); coding-DNA position 4858, one base deleted (G; older notation c.4858delG).
Protein change: p.Val1620fs; shifts the reading frame from valine 1620.
Molecular consequence: frameshift variant.
Genome position (GRCh38, 1-based): chr1:26,775,085, G deleted. VCF-style (leftmost placement, unchanged base first): chr1-26775084-AG-A. GRCh37 (hg19) VCF-style: chr1-27101575-AG-A.
Other names: c.4207del, p.Val1403fs (NM_139135.4); short protein forms V1403fs, V1620fs.
Identifiers: ClinVar variation 5010234 (VCV005010234.1).